The following is an entry in ClinVar:

ClinVar aggregate classification (germline): Uncertain significance (1 of 4 stars; one submission).

Submission:

Mayo Clinic Laboratories, Mayo Clinic
Classification: Uncertain significance. Last evaluated: 2025-07-29. Review status: criteria provided, single submitter. Criteria: ACMG Guidelines, 2015. Collection method: clinical testing. Allele origin: germline. Observed: 1 variant allele.
Comment: BP4_moderate, PM2_supporting

NM_001261826.3(AP3D1):c.2551C>A (p.His851Asn)

Gene: AP3D1 (adaptor related protein complex 3 subunit delta 1; minus strand). Cytogenetic location: 19p13.3.
Variant type: single nucleotide variant.
Coding change: c.2551C>A on transcript NM_001261826.3 (MANE Select); coding-DNA position 2551, C replaced by A.
Protein change: p.His851Asn; replaces histidine 851 with asparagine.
Molecular consequence: missense variant.
Genome position (GRCh38, 1-based): chr19:2,114,175, G>T on the plus strand (C>A on the coding strand, the complement: AP3D1 is on the minus strand). VCF-style: chr19-2114175-G-T. GRCh37 (hg19) VCF-style: chr19-2114174-G-T.
Other names: p.His851Asn; c.2551C>A, p.His851Asn (NM_001374799.1, NM_003938.8); short protein forms H851N.
Identifiers: ClinVar variation 4542281 (VCV004542281.1).